The following is an entry in ClinVar:

NM_199420.4(POLQ):c.1654A>G (p.Thr552Ala)

Gene: POLQ (DNA polymerase theta; minus strand). Cytogenetic location: 3q13.33.
Variant type: single nucleotide variant.
Coding change: c.1654A>G on transcript NM_199420.4 (MANE Select); coding-DNA position 1654, A replaced by G.
Protein change: p.Thr552Ala; replaces threonine 552 with alanine.
Molecular consequence: missense variant.
Genome position (GRCh38, 1-based): chr3:121,510,201, T>C on the plus strand (A>G on the coding strand, the complement: POLQ is on the minus strand). VCF-style: chr3-121510201-T-C. GRCh37 (hg19) VCF-style: chr3-121229048-T-C.
Other names: short protein forms T552A.
Identifiers: ClinVar variation 1777312 (VCV001777312.2), dbSNP rs2048243137, ClinGen allele CA354115175.

ClinVar aggregate classification (germline): Uncertain significance (1 of 4 stars; one submission).

Allele frequency attached by ClinVar (database versions not stated): gnomAD 0.00001.
gnomAD v4.1: 1 of 1,613,502 alleles (0.000062%); highest among the groups gnomAD compares: African/African-American, 0.0013%; no homozygotes.

Submission:

Ambry Genetics
Classification: Uncertain significance. Last evaluated: 2021-06-27. Review status: criteria provided, single submitter. Criteria: Ambry Variant Classification Scheme 2023. Collection method: clinical testing. Allele origin: germline.
Comment: The p.T552A variant (also known as c.1654A>G), located in coding exon 11 of the POLQ gene, results from an A to G substitution at nucleotide position 1654. The threonine at codon 552 is replaced by alanine, an amino acid with similar properties. This amino acid position is conserved. In addition, this alteration is predicted to be tolerated by in silico analysis. Since supporting evidence is limited at this time, the clinical significance of this alteration remains unclear.